The following is an entry in ClinVar:

ClinVar aggregate classification (germline): Uncertain significance. Review status: criteria provided, multiple submitters, no conflicts (2 of 4 stars). 3 submissions from 3 submitters: Uncertain significance (2). 1 of the submissions does not count toward it. Last evaluated 2022-07-12.

Conditions:
Nemaline myopathy 2 (NEM2). Also called: Nemaline myopathy 2, autosomal recessive. Identifiers: MedGen C1850569, MONDO:0009725, OMIM 256030.

Allele frequency attached by ClinVar (database versions not stated): gnomAD exomes below 0.00001; TOPMed below 0.00001; ExAC 0.00001; gnomAD 0.00001 and 0.00002; 1000 Genomes Project 0.00020; 1000 Genomes Project 30x 0.00031.
gnomAD v4.1: 4 of 1,611,484 alleles (0.00025%); highest among the groups gnomAD compares: Admixed American, 0.0067%; no homozygotes.

Submissions (3):

Labcorp Genetics (formerly Invitae), Labcorp
Classification: Uncertain significance for Nemaline myopathy 2. Last evaluated: 2022-07-12. Review status: criteria provided, single submitter. Criteria: Invitae Variant Classification Sherloc (09022015). Collection method: clinical testing. Allele origin: germline.
Comment: This sequence change replaces valine, which is neutral and non-polar, with alanine, which is neutral and non-polar, at codon 5605 of the NEB protein (p.Val5605Ala). The frequency data for this variant in the population databases is considered unreliable, as metrics indicate poor data quality at this position in the gnomAD database. This variant has not been reported in the literature in individuals affected with NEB-related conditions. ClinVar contains an entry for this variant (Variation ID: 836638). Algorithms developed to predict the effect of missense changes on protein structure and function are either unavailable or do not agree on the potential impact of this missense change (SIFT: "Deleterious"; PolyPhen-2: "Not Available"; Align-GVGD: "Class C0"). In summary, the available evidence is currently insufficient to determine the role of this variant in disease. Therefore, it has been classified as a Variant of Uncertain Significance.

Baylor Genetics
Classification: Uncertain significance for Nemaline myopathy 2. Last evaluated: 2019-03-13. Review status: criteria provided, single submitter. Criteria: ACMG Guidelines, 2015. Collection method: clinical testing. Allele origin: maternal. Affected: yes.
Comment: This variant was determined to be of uncertain significance according to ACMG Guidelines, 2015 [PMID:25741868].

Natera, Inc.
Classification: Uncertain significance for Nemaline myopathy type 2. Last evaluated: 2020-01-17. Review status: no assertion criteria provided. Collection method: clinical testing. Allele origin: germline. Not counted in ClinVar's aggregate classification.

NM_001164508.2(NEB):c.16814T>C (p.Val5605Ala)

Gene: NEB (nebulin; minus strand). Cytogenetic location: 2q23.3.
Variant type: single nucleotide variant.
Coding change: c.16814T>C on transcript NM_001164508.2 (MANE Select); coding-DNA position 16814, T replaced by C.
Protein change: p.Val5605Ala; replaces valine 5605 with alanine.
Molecular consequence: missense variant.
Genome position (GRCh38, 1-based): chr2:151,576,245, A>G on the plus strand (T>C on the coding strand, the complement: NEB is on the minus strand). VCF-style: chr2-151576245-A-G. GRCh37 (hg19) VCF-style: chr2-152432759-A-G.
Other names: c.16814T>C, p.Val5605Ala (NM_001164507.2, NM_001271208.2); c.11711T>C, p.Val3904Ala (NM_004543.5); short protein forms V3904A, V5605A.
Identifiers: ClinVar variation 836638 (VCV000836638.9), dbSNP rs527672223, ClinGen allele CA1908381.